The following is an entry in ClinVar:

NM_002615.7(SERPINF1):c.284G>A (p.Gly95Glu)

Gene: SERPINF1 (serpin family F member 1; plus strand). Cytogenetic location: 17p13.3.
Variant type: single nucleotide variant.
Coding change: c.284G>A on transcript NM_002615.7 (MANE Select); coding-DNA position 284, G replaced by A.
Protein change: p.Gly95Glu; replaces glycine 95 with glutamic acid.
Molecular consequence: missense variant. On other transcripts: 5 prime UTR variant (1).
Genome position (GRCh38, 1-based): chr17:1,771,029, G>A. VCF-style: chr17-1771029-G-A. GRCh37 (hg19) VCF-style: chr17-1674323-G-A.
Other names: c.284G>A, p.Gly95Glu (NM_001329903.2); c.-278G>A (NM_001329904.2); c.284G>A (NM_002615.5); short protein forms G95E.
Identifiers: ClinVar variation 1925693 (VCV001925693.7), dbSNP rs2543479598, ClinGen allele CA397584385.

ClinVar aggregate classification (germline): Uncertain significance. Review status: criteria provided, multiple submitters, no conflicts (2 of 4 stars). 3 submissions from 3 submitters: Uncertain significance (3). Last evaluated 2026-04-27.

Submissions (3):

Women's Health and Genetics/Laboratory Corporation of America, LabCorp
Classification: Uncertain significance. Last evaluated: 2026-04-27. Review status: criteria provided, single submitter. Criteria: LabCorp Variant Classification Summary - May 2015. Collection method: clinical testing. Allele origin: germline.
Comment: Variant summary: SERPINF1 c.284G>A (p.Gly95Glu) results in a non-conservative amino acid change in the encoded protein sequence. Algorithms developed to predict the effect of missense changes on protein structure and function are either unavailable or do not agree on the potential impact of this missense change. Consensus agreement among computation tools predict no significant impact on normal splicing. However, these predictions have yet to be confirmed by functional studies. The variant was absent in 251472 control chromosomes. The available data on variant occurrences in the general population are insufficient to allow any conclusion about variant significance. To our knowledge, no occurrence of c.284G>A in individuals affected with SERPINF1-related conditions and no experimental evidence demonstrating its impact on protein function have been reported. ClinVar contains an entry for this variant (Variation ID: 1925693). Based on the evidence outlined above, the variant was classified as uncertain significance.

GeneDx
Classification: Uncertain significance. Last evaluated: 2026-04-15. Review status: criteria provided, single submitter. Criteria: GeneDx Variant Classification Process June 2021. Collection method: clinical testing. Allele origin: germline.
Comment: Not observed at significant frequency in large population cohorts (gnomAD); In silico analysis supports that this missense variant has a deleterious effect on protein structure/function; Has not been previously published as pathogenic or benign to our knowledge; In silico analysis suggests this variant may impact gene splicing. In the absence of RNA/functional studies, the actual effect of this sequence change is unknown

Labcorp Genetics (formerly Invitae), Labcorp
Classification: Uncertain significance. Last evaluated: 2024-11-18. Review status: criteria provided, single submitter. Criteria: Invitae Variant Classification Sherloc (09022015). Collection method: clinical testing. Allele origin: germline.
Comment: This sequence change replaces glycine, which is neutral and non-polar, with glutamic acid, which is acidic and polar, at codon 95 of the SERPINF1 protein (p.Gly95Glu). This variant is not present in population databases (gnomAD no frequency). This variant has not been reported in the literature in individuals affected with SERPINF1-related conditions. ClinVar contains an entry for this variant (Variation ID: 1925693). An algorithm developed to predict the effect of missense changes on protein structure and function (PolyPhen-2) suggests that this variant is likely to be disruptive. In summary, the available evidence is currently insufficient to determine the role of this variant in disease. Therefore, it has been classified as a Variant of Uncertain Significance.